The following is an entry in ClinVar:

ClinVar aggregate classification (germline): Uncertain significance (1 of 4 stars; one submission).

Allele frequency attached by ClinVar (database versions not stated): TOPMed below 0.00001.

Submission:

Labcorp Genetics (formerly Invitae), Labcorp
Classification: Uncertain significance. Last evaluated: 2022-05-06. Review status: criteria provided, single submitter. Criteria: Invitae Variant Classification Sherloc (09022015). Collection method: clinical testing. Allele origin: germline.
Comment: In summary, the available evidence is currently insufficient to determine the role of this variant in disease. Therefore, it has been classified as a Variant of Uncertain Significance. Algorithms developed to predict the effect of missense changes on protein structure and function (SIFT, PolyPhen-2, Align-GVGD) all suggest that this variant is likely to be disruptive. This variant has not been reported in the literature in individuals affected with LTBP2-related conditions. This variant is not present in population databases (gnomAD no frequency). This sequence change replaces aspartic acid, which is acidic and polar, with glutamic acid, which is acidic and polar, at codon 1560 of the LTBP2 protein (p.Asp1560Glu).

NM_000428.3(LTBP2):c.4680C>A (p.Asp1560Glu)

Gene: LTBP2 (latent transforming growth factor beta binding protein 2; minus strand). Cytogenetic location: 14q24.3.
Variant type: single nucleotide variant.
Coding change: c.4680C>A on transcript NM_000428.3 (MANE Select); coding-DNA position 4680, C replaced by A.
Protein change: p.Asp1560Glu; replaces aspartic acid 1560 with glutamic acid.
Molecular consequence: missense variant.
Genome position (GRCh38, 1-based): chr14:74,503,509, G>T on the plus strand (C>A on the coding strand, the complement: LTBP2 is on the minus strand). VCF-style: chr14-74503509-G-T. GRCh37 (hg19) VCF-style: chr14-74970212-G-T.
Other names: short protein forms D1560E.
Identifiers: ClinVar variation 1953906 (VCV001953906.5), dbSNP rs2086942401, ClinGen allele CA390385054.
Genomic context (GRCh38, chr14:74,503,509, plus strand): 5'-CCACGCTCAGGCCCACTCACCCGTGCTGCTGGTGCTGTTCATGCAGCGCTGCTGGCTGAG[G>T]TCCAGGGTGAGCGGGGGGCTGCAGAAGCAGTGGAAGGAGCCCTCCGTGTTGACGCACTCG-3'
Protein context (NP_000419.1, residues 1550-1570): HCFCSPPLTL[Asp1560Glu]LSQQRCMNST